The following is an entry in ClinVar:

ClinVar aggregate classification (germline): Uncertain significance (1 of 4 stars; one submission).

Conditions:
Developmental and epileptic encephalopathy, 30 (DEE30). Also called: Epileptic encephalopathy, early infantile, 30. Identifiers: MedGen C4225360, MONDO:0014595, OMIM 616341.

Allele frequency attached by ClinVar (database versions not stated): ESP Exome Variant Server 0.00008.

Submission:

Labcorp Genetics (formerly Invitae), Labcorp
Classification: Uncertain significance for Developmental and epileptic encephalopathy, 30. Last evaluated: 2022-08-15. Review status: criteria provided, single submitter. Criteria: Invitae Variant Classification Sherloc (09022015). Collection method: clinical testing. Allele origin: germline.
Comment: This sequence change replaces tyrosine, which is neutral and polar, with histidine, which is basic and polar, at codon 304 of the SIK1 protein (p.Tyr304His). This variant is present in population databases (rs373962243, gnomAD 0.01%). This variant has not been reported in the literature in individuals affected with SIK1-related conditions. ClinVar contains an entry for this variant (Variation ID: 1355312). Advanced modeling of protein sequence and biophysical properties (such as structural, functional, and spatial information, amino acid conservation, physicochemical variation, residue mobility, and thermodynamic stability) performed at Invitae indicates that this missense variant is not expected to disrupt SIK1 protein function. In summary, the available evidence is currently insufficient to determine the role of this variant in disease. Therefore, it has been classified as a Variant of Uncertain Significance.

NM_173354.5(SIK1):c.910T>C (p.Tyr304His)

Gene: SIK1 (salt inducible kinase 1; minus strand). Cytogenetic location: 21q22.3.
Variant type: single nucleotide variant.
Coding change: c.910T>C on transcript NM_173354.5 (MANE Select); coding-DNA position 910, T replaced by C.
Protein change: p.Tyr304His; replaces tyrosine 304 with histidine.
Molecular consequence: missense variant.
Genome position (GRCh38, 1-based): chr21:43,420,296, A>G on the plus strand (T>C on the coding strand, the complement: SIK1 is on the minus strand). VCF-style: chr21-43420296-A-G. GRCh37 (hg19) VCF-style: chr21-44840176-A-G.
Other names: short protein forms Y304H.
Identifiers: ClinVar variation 1355312 (VCV001355312.8), dbSNP rs373962243, ClinGen allele CA321326747.
Genomic context (GRCh38, chr21:43,420,296, plus strand): 5'-CCACCGTCCTCTGCCGGTCCACGCCCAGGGTCTGCATGATACCCAGCGCCTGCTCATCGT[A>G]GTCGCCCAGGTTGGAGGTGTAGCTGTGTGCGGAGAAGGCGGGGCAGGCGGGTCCCGGCAA-3'
Protein context (NP_775490.2, residues 294-314): AHSYTSNLGD[Tyr304His]DEQALGIMQT